The following is an entry in ClinVar:

NM_000179.3(MSH6):c.3627G>T (p.Leu1209=)

Gene: MSH6 (mutS homolog 6; plus strand). Cytogenetic location: 2p16.3.
Variant type: single nucleotide variant.
Coding change: c.3627G>T on transcript NM_000179.3 (MANE Select); coding-DNA position 3627, G replaced by T.
Protein change: p.Leu1209=; no amino-acid change (leucine 1209 retained).
Molecular consequence: synonymous variant. On other transcripts: non-coding transcript variant (5).
Genome position (GRCh38, 1-based): chr2:47,805,688, G>T. VCF-style: chr2-47805688-G-T. GRCh37 (hg19) VCF-style: chr2-48032827-G-T.
Other names: c.3237G>T, p.Leu1079= (NM_001281492.2); c.2721G>T, p.Leu907= (NM_001281493.2, NM_001281494.2, NM_001406811.1 and 6 more transcripts); c.3723G>T, p.Leu1241= (NM_001406795.1, NM_001406802.1); c.3627G>T, p.Leu1209= (NM_001406796.1, NM_001406800.1, NM_001406808.1 and 1 more transcripts); c.3330G>T, p.Leu1110= (NM_001406797.1, NM_001406801.1, NM_001406805.1 and 10 more transcripts); c.3453G>T, p.Leu1151= (NM_001406798.1); c.3102G>T, p.Leu1034= (NM_001406799.1, NM_001406806.1, NM_001406807.1); c.2763G>T, p.Leu921= (NM_001406803.1); and 7 more.
Identifiers: ClinVar variation 3904109 (VCV003904109.1).

ClinVar aggregate classification (germline): Benign (1 of 4 stars; one submission).

Conditions:
Lynch syndrome 5 (LYNCH5). Also called: Colorectal cancer, hereditary nonpolyposis, type 5; Hereditary non-polyposis colorectal cancer, type 5. Identifiers: Orphanet 144, MedGen C1833477, MONDO:0013710, OMIM 614350. Disease mechanism: loss of function.

Submission:

Myriad Genetics, Inc.
Classification: Benign for Lynch syndrome 5. Last evaluated: 2025-01-07. Review status: criteria provided, single submitter. Criteria: Myriad Autosomal Dominant, Autosomal Recessive and X-Linked Classification Criteria (2023). Collection method: clinical testing. Allele origin: unknown.
Comment: This variant is considered benign. This variant is a silent/synonymous amino acid change and it is not expected to impact splicing.